The following is an entry in ClinVar:

NM_001040142.2(SCN2A):c.3399+14A>C

Gene: SCN2A (sodium voltage-gated channel alpha subunit 2; plus strand). Cytogenetic location: 2q24.3.
Variant type: single nucleotide variant.
Coding change: c.3399+14A>C on transcript NM_001040142.2 (MANE Select); 14 bases into the intron after coding-DNA position 3399, A replaced by C.
Molecular consequence: intron variant.
Genome position (GRCh38, 1-based): chr2:165,354,685, A>C. VCF-style: chr2-165354685-A-C. GRCh37 (hg19) VCF-style: chr2-166211195-A-C.
Other names: c.3399+14A>C (NM_001040143.2, NM_001371246.1, NM_001371247.1 and 1 more transcripts).
Identifiers: ClinVar variation 378532 (VCV000378532.9), dbSNP rs376371059, ClinGen allele CA1940087.

ClinVar aggregate classification (germline): Likely benign. Review status: criteria provided, multiple submitters, no conflicts (2 of 4 stars). 4 submissions from 4 submitters: Likely benign (4). Last evaluated 2026-01-12.

Conditions:
Seizures, benign familial infantile, 3 (BFIS3). Also called: CONVULSIONS, BENIGN FAMILIAL INFANTILE, 3; Familial neonatal seizures. Identifiers: Orphanet 140927, Orphanet 306, MedGen C1843140, MONDO:0011904, OMIM 607745.
Developmental and epileptic encephalopathy, 11 (DEE11). Also called: Early infantile epileptic encephalopathy 11. Identifiers: Orphanet 1934, MedGen C3150987, MONDO:0013388, OMIM 613721.

Allele frequency attached by ClinVar (database versions not stated): gnomAD 0.00003; TOPMed 0.00005; gnomAD exomes 0.00006 and 0.00013; ExAC 0.00010; ESP Exome Variant Server 0.00015.
gnomAD v4.1: 185 of 1,611,516 alleles (0.011%); highest among the groups gnomAD compares: Non-Finnish European, 0.015%; no homozygotes.

Submissions (4):

Labcorp Genetics (formerly Invitae), Labcorp
Classification: Likely benign for Seizures, benign familial infantile, 3; Developmental and epileptic encephalopathy, 11. Last evaluated: 2026-01-12. Review status: criteria provided, single submitter. Criteria: Invitae Variant Classification Sherloc (09022015). Collection method: clinical testing. Allele origin: germline.

Women's Health and Genetics/Laboratory Corporation of America, LabCorp
Classification: Likely benign. Last evaluated: 2025-01-28. Review status: criteria provided, single submitter. Criteria: LabCorp Variant Classification Summary - May 2015. Collection method: clinical testing. Allele origin: germline.

Blueprint Genetics
Classification: Likely benign. Last evaluated: 2024-04-24. Review status: criteria provided, single submitter. Criteria: ACMG Guidelines, 2015. Collection method: clinical testing. Allele origin: germline.

GeneDx
Classification: Likely benign. Last evaluated: 2017-08-03. Review status: criteria provided, single submitter. Criteria: GeneDx Variant Classification (06012015). Collection method: clinical testing. Allele origin: germline. Affected: yes.
Comment: This variant is considered likely benign or benign based on one or more of the following criteria: it is a conservative change, it occurs at a poorly conserved position in the protein, it is predicted to be benign by multiple in silico algorithms, and/or has population frequency not consistent with disease.